The following is an entry in ClinVar:

NM_004946.3(DOCK2):c.3925G>A (p.Glu1309Lys)

Gene: DOCK2 (dedicator of cytokinesis 2; plus strand). Cytogenetic location: 5q35.1.
Variant type: single nucleotide variant.
Coding change: c.3925G>A on transcript NM_004946.3 (MANE Select); coding-DNA position 3925, G replaced by A.
Protein change: p.Glu1309Lys; replaces glutamic acid 1309 with lysine.
Molecular consequence: missense variant. On other transcripts: non-coding transcript variant (1).
Genome position (GRCh38, 1-based): chr5:170,045,864, G>A. VCF-style: chr5-170045864-G-A. GRCh37 (hg19) VCF-style: chr5-169472868-G-A.
Other names: short protein forms E1309K.
Identifiers: ClinVar variation 942984 (VCV000942984.7), dbSNP rs146643993, ClinGen allele CA3554372.

ClinVar aggregate classification (germline): Uncertain significance (1 of 4 stars; one submission).

Conditions:
DOCK2 deficiency. Also called: Immunodeficiency 40. Identifiers: Orphanet 447737, MedGen C4225328, MONDO:0014637, OMIM 616433.

Allele frequency attached by ClinVar (database versions not stated): gnomAD 0.00001; gnomAD exomes 0.00001; ExAC 0.00002; TOPMed 0.00002; ESP Exome Variant Server 0.00015.

Submission:

Labcorp Genetics (formerly Invitae), Labcorp
Classification: Uncertain significance for DOCK2 deficiency. Last evaluated: 2022-01-03. Review status: criteria provided, single submitter. Criteria: Invitae Variant Classification Sherloc (09022015). Collection method: clinical testing. Allele origin: germline.
Comment: This sequence change replaces glutamic acid, which is acidic and polar, with lysine, which is basic and polar, at codon 1309 of the DOCK2 protein (p.Glu1309Lys). This variant is present in population databases (rs146643993, gnomAD 0.007%). This variant has not been reported in the literature in individuals affected with DOCK2-related conditions. ClinVar contains an entry for this variant (Variation ID: 942984). Algorithms developed to predict the effect of missense changes on protein structure and function are either unavailable or do not agree on the potential impact of this missense change (SIFT: "Deleterious"; PolyPhen-2: "Possibly Damaging"; Align-GVGD: "Class C0"). In summary, the available evidence is currently insufficient to determine the role of this variant in disease. Therefore, it has been classified as a Variant of Uncertain Significance.